The following is an entry in ClinVar:

NC_000002.12:g.(?_107988146)_(108963283_?)del

Genes: GCC2 (GRIP and coiled-coil domain containing 2; plus strand), LIMS1 (LIM zinc finger domain containing 1; plus strand), CCDC138 (coiled-coil domain containing 138; plus strand), EDAR (ectodysplasin A receptor; minus strand), RANBP2 (RAN binding protein 2; plus strand) and 4 more. Cytogenetic location: 2q12.3.
Variant type: Deletion.
Identifiers: ClinVar variation 830541 (VCV000830541.1).

ClinVar aggregate classification (germline): Uncertain significance (1 of 4 stars; one submission).

Conditions:
Congenital myasthenic syndrome 20. Also called: Myasthenic syndrome, congenital, 20, presynaptic. Identifiers: MedGen C4310694, MONDO:0014939, OMIM 617143.
Neuronopathy, distal hereditary motor, type 7A. Also called: Neuronopathy, distal hereditary motor, type viia; HARPER-YOUNG MYOPATHY; HMN VIIA; SPINAL MUSCULAR ATROPHY, DISTAL, WITH VOCAL CORD PARALYSIS; NEURONOPATHY, DISTAL HEREDITARY MOTOR, HARDING TYPE VIIA; NEUROPATHY, DISTAL HEREDITARY MOTOR, HARDING TYPE VIIA. Identifiers: Orphanet 139589, MedGen C1834703, MONDO:0008024, OMIM 158580.

Submission:

Labcorp Genetics (formerly Invitae), Labcorp
Classification: Uncertain significance for Neuronopathy, distal hereditary motor, type viia; Myasthenic syndrome, congenital, 20, presynaptic. Last evaluated: 2019-11-12. Review status: criteria provided, single submitter. Criteria: Invitae Variant Classification Sherloc (09022015). Collection method: clinical testing. Allele origin: germline.
Comment: A gross deletion of the genomic region encompassing the full coding sequence of the SLC5A7 gene has been identified. The boundaries of this event are unknown as the deletion extends beyond the assayed region for this gene and therefore may encompass additional genes. This variant has not been reported in the literature in individuals with SLC5A7-related conditions. The current clinical and genetic evidence is not sufficient to establish whether loss-of-function variants in SLC5A7 cause disease. In summary, the available evidence is currently insufficient to determine the role of this variant in disease. Therefore, it has been classified as a Variant of Uncertain Significance.